The following is an entry in ClinVar:

NM_000153.4(GALC):c.1727T>C (p.Val576Ala)

Gene: GALC (galactosylceramidase; minus strand). Cytogenetic location: 14q31.3.
Variant type: single nucleotide variant.
Coding change: c.1727T>C on transcript NM_000153.4 (MANE Select); coding-DNA position 1727, T replaced by C.
Protein change: p.Val576Ala; replaces valine 576 with alanine.
Molecular consequence: missense variant.
Genome position (GRCh38, 1-based): chr14:87,941,502, A>G on the plus strand (T>C on the coding strand, the complement: GALC is on the minus strand). VCF-style: chr14-87941502-A-G. GRCh37 (hg19) VCF-style: chr14-88407846-A-G.
Other names: c.1658T>C, p.Val553Ala (NM_001201401.2); c.1649T>C, p.Val550Ala (NM_001201402.2); short protein forms V553A, V550A, V576A.
Identifiers: ClinVar variation 1028103 (VCV001028103.4), dbSNP rs774555128, ClinGen allele CA7296933.

ClinVar aggregate classification (germline): Uncertain significance. Review status: criteria provided, multiple submitters, no conflicts (2 of 4 stars). 2 submissions from 2 submitters: Uncertain significance (2). Last evaluated 2022-05-27.

Conditions:
Galactosylceramide beta-galactosidase deficiency. Also called: Krabbe Disease; Leukodystrophy, Globoid Cell; GALACTOCEREBROSIDASE DEFICIENCY; GALC DEFICIENCY; GLOBOID CELL LEUKOENCEPHALOPATHY. Identifiers: Orphanet 487, MedGen C0023521, MONDO:0009499, OMIM 245200.
Inborn genetic diseases. Identifiers: MedGen C0950123, MeSH D030342.

Allele frequency attached by ClinVar (database versions not stated): gnomAD exomes below 0.00001 and 0.00001; TOPMed below 0.00001; ExAC 0.00002.
gnomAD v4.1: 4 of 1,599,716 alleles (0.00025%); highest among the groups gnomAD compares: East Asian, 0.0045%; no homozygotes.

Submissions (2):

Ambry Genetics
Classification: Uncertain significance for Inborn genetic diseases. Last evaluated: 2022-05-27. Review status: criteria provided, single submitter. Criteria: Ambry Variant Classification Scheme 2023. Collection method: clinical testing. Allele origin: germline.

Baylor Genetics
Classification: Uncertain significance for Galactosylceramide beta-galactosidase deficiency. Last evaluated: 2019-08-05. Review status: criteria provided, single submitter. Criteria: ACMG Guidelines, 2015. Collection method: clinical testing. Allele origin: unknown. Affected: yes.
Comment: This variant was determined to be of uncertain significance according to ACMG Guidelines, 2015 [PMID:25741868].